The following is an entry in ClinVar:

NM_001079866.2(BCS1L):c.757CTG[1] (p.Leu254del)

Gene: BCS1L (BCS1 ubiquinol-cytochrome c reductase complex chaperone; plus strand). Cytogenetic location: 2q35.
Variant type: Microsatellite.
Coding change: c.757CTG[1] on transcript NM_001079866.2 (MANE Select); one copy of the 3-base unit CTG starting at c.757; the reference has two copies in a row; one copy, 3 bases deleted.
Protein change: p.Leu254del; deletes leucine 254.
Molecular consequence: inframe deletion. On other transcripts: non-coding transcript variant (1).
Genome position (GRCh38, 1-based): chr2:218,662,550-218,662,552, CTG deleted; deleting any 3 consecutive bases within chr2:218,662,547-218,662,552 gives the same sequence; the position shown is the placement nearest the transcript's 3' end. VCF-style (leftmost placement, unchanged base first): chr2-218662546-CCTG-C. GRCh37 (hg19) VCF-style: chr2-219527269-CCTG-C.
Other names: c.757CTG[1], p.Leu254del (NM_001257344.2, NM_001320717.2, NM_001371443.1 and 10 more transcripts); c.397CTG[1], p.Leu134del (NM_001318836.2, NM_001371451.1); c.256CTG[1], p.Leu87del (NM_001371452.1, NM_001371453.1, NM_001371454.1 and 3 more transcripts); short protein forms L134del, L254del, L87del.
Identifiers: ClinVar variation 5004463 (VCV005004463.1).

ClinVar aggregate classification (germline): Uncertain significance (1 of 4 stars; one submission).

Conditions:
BCS1L-related disorder. Also called: BCS1L-related condition; BCS1L-related disorders. Identifiers: MedGen CN239240.

Submission:

Myriad Genetics, Inc.
Classification: Uncertain significance for BCS1L-related disorder. Last evaluated: 2026-02-10. Review status: criteria provided, single submitter. Criteria: Myriad Autosomal Dominant, Autosomal Recessive and X-Linked Classification Criteria (2023). Collection method: clinical testing. Allele origin: unknown.
Comment: NM_004328.4(BCS1L):c.760_762delCTG(L254del) is an in-frame deletion classified as a variant of uncertain significance in the context of BCS1L-related disorders. L254del has not been observed in cases with relevant disease. Relevant functional assessments of this variant are not available in the literature. L254del has not been observed in referenced population frequency databases. In summary, there is insufficient evidence to classify NM_004328.4(BCS1L):c.760_762delCTG(L254del) as pathogenic or benign. Please note: this variant was assessed in the context of healthy population screening.